The following is an entry in ClinVar:

ClinVar aggregate classification (germline): Likely benign (1 of 4 stars; one submission).

Submission:

GeneDx
Classification: Likely benign. Last evaluated: 2017-08-22. Review status: criteria provided, single submitter. Criteria: GeneDx Variant Classification (06012015). Collection method: clinical testing. Allele origin: germline. Affected: yes.
Comment: This variant is considered likely benign or benign based on one or more of the following criteria: it is a conservative change, it occurs at a poorly conserved position in the protein, it is predicted to be benign by multiple in silico algorithms, and/or has population frequency not consistent with disease.

NM_000256.3(MYBPC3):c.1224-3C>T

Gene: MYBPC3 (myosin binding protein C3; minus strand). Cytogenetic location: 11p11.2.
Variant type: single nucleotide variant.
Coding change: c.1224-3C>T on transcript NM_000256.3 (MANE Select); 3 bases into the intron before coding-DNA position 1224, C replaced by T.
Genome position (GRCh38, 1-based): chr11:47,343,265, G>A on the plus strand (C>T on the coding strand, the complement: MYBPC3 is on the minus strand). VCF-style: chr11-47343265-G-A. GRCh37 (hg19) VCF-style: chr11-47364816-G-A.
Other names: c.1224-3C>T (LRG_386t1).
Identifiers: ClinVar variation 506674 (VCV000506674.1), dbSNP rs1555122359, ClinGen allele CA658797637.